The following is an entry in ClinVar:

NM_000201.3(ICAM1):c.837C>T (p.Thr279=)

Gene: ICAM1 (intercellular adhesion molecule 1; plus strand). Cytogenetic location: 19p13.2.
Variant type: single nucleotide variant.
Coding change: c.837C>T on transcript NM_000201.3 (MANE Select); coding-DNA position 837, C replaced by T.
Protein change: p.Thr279=; no amino-acid change (threonine 279 retained).
Molecular consequence: synonymous variant.
Genome position (GRCh38, 1-based): chr19:10,284,232, C>T. VCF-style: chr19-10284232-C-T. GRCh37 (hg19) VCF-style: chr19-10394908-C-T.
Identifiers: ClinVar variation 717487 (VCV000717487.5), dbSNP rs5030381, ClinGen allele CA9189910.

ClinVar aggregate classification (germline): Benign. Review status: criteria provided, single submitter (1 of 4 stars). 2 submissions from 2 submitters: Benign (1). 1 of the submissions does not count toward it. Last evaluated 2018-03-29.

Conditions:
ICAM1-related disorder. Also called: ICAM1-related condition.

Allele frequency attached by ClinVar (database versions not stated): gnomAD exomes 0.00027; ExAC 0.00029; ESP Exome Variant Server 0.00092; TOPMed 0.00096; gnomAD 0.00097 and 0.00100; 1000 Genomes Project 30x 0.00172; 1000 Genomes Project 0.00220.
gnomAD v4.1: 375 of 1,613,944 alleles (0.023%); highest among the groups gnomAD compares: African/African-American, 0.3%; no homozygotes.

Submissions (2):

Labcorp Genetics (formerly Invitae), Labcorp
Classification: Benign. Last evaluated: 2018-03-29. Review status: criteria provided, single submitter. Criteria: Invitae Variant Classification Sherloc (09022015). Collection method: clinical testing. Allele origin: germline.

PreventionGenetics, part of Exact Sciences
Classification: Likely benign for ICAM1-related condition. Last evaluated: 2019-12-18. Review status: no assertion criteria provided. Collection method: clinical testing. Allele origin: germline. Not counted in ClinVar's aggregate classification.
Comment: This variant is classified as likely benign based on ACMG/AMP sequence variant interpretation guidelines (Richards et al. 2015 PMID: 25741868, with internal and published modifications).